The following is an entry in ClinVar:

ClinVar aggregate classification (germline): Uncertain significance (1 of 4 stars; one submission).

Conditions:
Familial hypocalciuric hypercalcemia (FHH). Also called: Familial benign hypercalcemia. Identifiers: Orphanet 405, MedGen C1809471, MONDO:0018458.
Autosomal dominant hypocalcemia 1 (HYPOC1). Also called: HYPOCALCEMIA, FAMILIAL. Identifiers: MedGen C3715128, MONDO:0011013, OMIM 601198.

Submission:

Labcorp Genetics (formerly Invitae), Labcorp
Classification: Uncertain significance for Familial hypocalciuric hypercalcemia; Autosomal dominant hypocalcemia 1. Last evaluated: 2025-03-17. Review status: criteria provided, single submitter. Criteria: Invitae Variant Classification Sherloc (09022015). Collection method: clinical testing. Allele origin: germline.
Comment: This sequence change replaces glycine, which is neutral and non-polar, with arginine, which is basic and polar, at codon 474 of the CASR protein (p.Gly474Arg). This variant is not present in population databases (gnomAD no frequency). This variant has not been reported in the literature in individuals affected with CASR-related conditions. ClinVar contains an entry for this variant (Variation ID: 1501610). An algorithm developed to predict the effect of missense changes on protein structure and function (PolyPhen-2) suggests that this variant is likely to be disruptive. In summary, the available evidence is currently insufficient to determine the role of this variant in disease. Therefore, it has been classified as a Variant of Uncertain Significance.

NM_000388.4(CASR):c.1420G>A (p.Gly474Arg)

Gene: CASR (calcium sensing receptor; plus strand). Cytogenetic location: 3q21.1.
Variant type: single nucleotide variant.
Coding change: c.1420G>A on transcript NM_000388.4 (MANE Select); coding-DNA position 1420, G replaced by A.
Protein change: p.Gly474Arg; replaces glycine 474 with arginine.
Molecular consequence: missense variant.
Genome position (GRCh38, 1-based): chr3:122,275,854, G>A. VCF-style: chr3-122275854-G-A. GRCh37 (hg19) VCF-style: chr3-121994701-G-A.
Other names: c.1420G>A, p.Gly474Arg (NM_001178065.2); short protein forms G474R.
Identifiers: ClinVar variation 1501610 (VCV001501610.8), dbSNP rs2107643437, ClinGen allele CA354154940.